The following is an entry in ClinVar:

NM_182493.3(MYLK3):c.1915-11T>A

Gene: MYLK3 (myosin light chain kinase 3; minus strand). Cytogenetic location: 16q11.2.
Variant type: single nucleotide variant.
Coding change: c.1915-11T>A on transcript NM_182493.3 (MANE Select); 11 bases into the intron before coding-DNA position 1915, T replaced by A.
Molecular consequence: intron variant.
Genome position (GRCh38, 1-based): chr16:46,721,204, A>T on the plus strand (T>A on the coding strand, the complement: MYLK3 is on the minus strand). VCF-style: chr16-46721204-A-T. GRCh37 (hg19) VCF-style: chr16-46755116-A-T.
Other names: c.892-11T>A (NM_001308301.1).
Identifiers: ClinVar variation 4759999 (VCV004759999.1).

ClinVar aggregate classification (germline): Uncertain significance (1 of 4 stars; one submission).

gnomAD v4.1: 6 of 1,614,062 alleles (0.00037%); highest among the groups gnomAD compares: Non-Finnish European, 0.00051%; no homozygotes.

Submission:

Labcorp Genetics (formerly Invitae), Labcorp
Classification: Uncertain significance. Last evaluated: 2026-01-26. Review status: criteria provided, single submitter. Criteria: Invitae Variant Classification Sherloc (09022015). Collection method: clinical testing. Allele origin: germline.
Comment: This sequence change falls in intron 8 of the MYLK3 gene. It does not directly change the encoded amino acid sequence of the MYLK3 protein. This variant is present in population databases (rs777742243, gnomAD 0.0009%). This variant has not been reported in the literature in individuals affected with MYLK3-related conditions. Algorithms developed to predict the effect of sequence changes on RNA splicing suggest that this variant may disrupt the consensus splice site. In summary, the available evidence is currently insufficient to determine the role of this variant in disease. Therefore, it has been classified as a Variant of Uncertain Significance.